The following is an entry in ClinVar:

ClinVar aggregate classification (germline): Uncertain significance (1 of 4 stars; one submission).

Submission:

GeneDx
Classification: Uncertain significance. Last evaluated: 2019-03-07. Review status: criteria provided, single submitter. Criteria: GeneDx Variant Classification Process June 2021. Collection method: clinical testing. Allele origin: germline. Affected: yes.
Comment: Not observed in large population cohorts (Lek et al., 2016; McVean et al., 2012; Exome Variant Server); Nonsense variant predicted to result in protein truncation or nonsense mediated decay in a gene for which loss-of-function is not a known mechanism of disease

NM_002017.5(FLI1):c.16_18delinsT (p.Ile5_Lys6insTer)

Genes: FLI1 (Fli-1 proto-oncogene, ETS transcription factor; plus strand), SENCR (smooth muscle and endothelial cell enriched migration/differentiation-associated lncRNA; minus strand), LOC128462394 (CRISPRi-FlowFISH-validated ETS1 regulatory element GRCh37_chr11:128563455-128564187; plus strand). Cytogenetic location: 11q24.3.
Variant type: Indel.
Coding change: c.16_18delinsT on transcript NM_002017.5 (MANE Select); coding-DNA positions 16 to 18, AAG replaced by T.
Protein change: p.Ile5_Lys6insTer.
Molecular consequence: nonsense. On other transcripts: 5 prime UTR variant (2), intron variant (1).
Genome position (GRCh38, 1-based): chr11:128,694,274-128,694,276, AAG replaced by T. VCF-style: chr11-128694274-AAG-T. GRCh37 (hg19) VCF-style: chr11-128564169-AAG-T.
Other names: c.-138_-136delinsT (NM_001167681.3); c.-354_-352delinsT (NM_001271010.2); c.-203+7573_-203+7575delinsT (NM_001271012.2).
Identifiers: ClinVar variation 1307796 (VCV001307796.2), dbSNP rs2135684628, ClinGen allele CA2573053453.